The following is an entry in ClinVar:

NM_002474.3(MYH11):c.1493_1494del (p.Glu498fs)

Gene: MYH11 (myosin heavy chain 11; minus strand). Cytogenetic location: 16p13.11.
Variant type: Deletion.
Coding change: c.1493_1494del on transcript NM_002474.3 (MANE Select); coding-DNA positions 1493 to 1494, 2 bases deleted (AG; older notation c.1493_1494delAG).
Protein change: p.Glu498fs; shifts the reading frame from glutamic acid 498.
Molecular consequence: frameshift variant.
Genome position (GRCh38, 1-based): chr16:15,757,908-15,757,909, CT deleted on the plus strand (AG on the coding strand, the reverse complement: MYH11 is on the minus strand); deleting any 2 consecutive bases within chr16:15,757,908-15,757,910 gives the same sequence; the c. name uses the placement nearest the transcript's 3' end. VCF-style (leftmost placement, unchanged base first): chr16-15757907-ACT-A. GRCh37 (hg19) VCF-style: chr16-15851764-ACT-A.
Other names: c.1514_1515del, p.Glu505fs (NM_001040113.2, NM_001040114.2); c.1493_1494del, p.Glu498fs (NM_022844.3); short protein forms E505fs, E498fs.
Identifiers: ClinVar variation 1773822 (VCV001773822.6), dbSNP rs1485507172, ClinGen allele CA718502551.

ClinVar aggregate classification (germline): Conflicting classifications of pathogenicity. Review status: criteria provided, conflicting classifications (1 of 4 stars). 3 submissions from 3 submitters: Pathogenic (1); Uncertain significance (2). Last evaluated 2024-10-10.

Conditions:
Familial thoracic aortic aneurysm and aortic dissection (TAAD). Also called: Thoracic aortic aneurysms and dissections. Identifiers: Orphanet 91387, MedGen C4707243, MONDO:0019625.
Aortic aneurysm, familial thoracic 4 (AAT4). Also called: AORTIC ANEURYSM/AORTIC DISSECTION AND PATENT DUCTUS ARTERIOSUS. Identifiers: MedGen C1851504, MONDO:0007568, OMIM 132900.

Submissions (3):

Labcorp Genetics (formerly Invitae), Labcorp
Classification: Pathogenic for Aortic aneurysm, familial thoracic 4. Last evaluated: 2024-10-10. Review status: criteria provided, single submitter. Criteria: Invitae Variant Classification Sherloc (09022015). Collection method: clinical testing. Allele origin: germline.
Comment: This sequence change creates a premature translational stop signal (p.Glu505Valfs*76) in the MYH11 gene. It is expected to result in an absent or disrupted protein product. Loss-of-function variants in MYH11 are known to be pathogenic (PMID: 25407000, 29575632). This variant is not present in population databases (gnomAD no frequency). This variant has not been reported in the literature in individuals affected with MYH11-related conditions. ClinVar contains an entry for this variant (Variation ID: 1773822). For these reasons, this variant has been classified as Pathogenic.

All of Us Research Program, National Institutes of Health
Classification: Uncertain significance for Familial thoracic aortic aneurysm and aortic dissection. Last evaluated: 2024-03-05. Review status: criteria provided, single submitter. Criteria: ACMG Guidelines, 2015. Collection method: clinical testing. Allele origin: germline. Inheritance: Autosomal dominant inheritance. Observed: 1 variant allele, 1 heterozygote.
Comment: This study involves interpretation of variants in research participants for the purpose of population health screening. Participant phenotype was not available at the time of variant classification. Additional details can be found in publication PMID: 35346344, PMCID: PMC8962531

Ambry Genetics
Classification: Uncertain significance for Familial thoracic aortic aneurysm and aortic dissection. Last evaluated: 2022-08-16. Review status: criteria provided, single submitter. Criteria: Ambry Variant Classification Scheme 2023. Collection method: clinical testing. Allele origin: germline.
Comment: The c.1493_1494delAG variant, located in coding exon 12 of the MYH11 gene, results from a deletion of two nucleotides at nucleotide positions 1493 to 1494, causing a translational frameshift with a predicted alternate stop codon (p.E498Vfs*76). This alteration is expected to result in premature protein truncation or nonsense-mediated mRNA decay. However, loss of function of MYH11 has not been established as a mechanism of disease. Since supporting evidence is limited at this time, the clinical significance of this alteration remains unclear.

Literature cited by the submitters: PubMed 25407000 (cited by Labcorp Genetics (formerly Invitae), Labcorp); PubMed 29575632 (cited by Labcorp Genetics (formerly Invitae), Labcorp).